The following is an entry in ClinVar:

ClinVar aggregate classification (germline): Uncertain significance (1 of 4 stars; one submission).

Conditions:
Developmental and epileptic encephalopathy, 25 (DEE25). Also called: Developmental and epileptic encephalopathy 25, with amelogenesis imperfecta; Epileptic encephalopathy, early infantile, 25, with amelogenesis imperfecta; Epileptic encephalopathy, early infantile, 25. Identifiers: Orphanet 442835, MedGen C4014621, MONDO:0014392, OMIM 615905.

Allele frequency attached by ClinVar (database versions not stated): gnomAD exomes below 0.00001; TOPMed 0.00001; ExAC 0.00001.
gnomAD v4.1: 1 of 1,607,460 alleles (0.000062%); highest among the groups gnomAD compares: Admixed American, 0.0017%; no homozygotes.

Submission:

Labcorp Genetics (formerly Invitae), Labcorp
Classification: Uncertain significance for Developmental and epileptic encephalopathy, 25. Last evaluated: 2022-05-16. Review status: criteria provided, single submitter. Criteria: Invitae Variant Classification Sherloc (09022015). Collection method: clinical testing. Allele origin: germline.
Comment: This sequence change replaces leucine, which is neutral and non-polar, with methionine, which is neutral and non-polar, at codon 488 of the SLC13A5 protein (p.Leu488Met). This variant is present in population databases (rs754295995, gnomAD 0.003%). This variant has not been reported in the literature in individuals affected with SLC13A5-related conditions. ClinVar contains an entry for this variant (Variation ID: 1002069). Algorithms developed to predict the effect of missense changes on protein structure and function are either unavailable or do not agree on the potential impact of this missense change (SIFT: "Deleterious"; PolyPhen-2: "Probably Damaging"; Align-GVGD: "Class C0"). This variant disrupts the p.Leu488 amino acid residue in SLC13A5. Other variant(s) that disrupt this residue have been determined to be pathogenic (PMID: 24995870, 27261973). This suggests that this residue is clinically significant, and that variants that disrupt this residue are likely to be disease-causing. In summary, the available evidence is currently insufficient to determine the role of this variant in disease. Therefore, it has been classified as a Variant of Uncertain Significance.

Literature cited by the submitters: PubMed 24995870; PubMed 27261973.

NM_177550.5(SLC13A5):c.1462C>A (p.Leu488Met)

Gene: SLC13A5 (solute carrier family 13 member 5; minus strand). Cytogenetic location: 17p13.1.
Variant type: single nucleotide variant.
Coding change: c.1462C>A on transcript NM_177550.5 (MANE Select); coding-DNA position 1462, C replaced by A.
Protein change: p.Leu488Met; replaces leucine 488 with methionine.
Molecular consequence: missense variant. On other transcripts: intron variant (1).
Genome position (GRCh38, 1-based): chr17:6,687,642, G>T on the plus strand (C>A on the coding strand, the complement: SLC13A5 is on the minus strand). VCF-style: chr17-6687642-G-T. GRCh37 (hg19) VCF-style: chr17-6590961-G-T.
Other names: c.1411C>A, p.Leu471Met (NM_001284509.2); c.1333C>A, p.Leu445Met (NM_001284510.2); c.1438-1304C>A (NM_001143838.3); short protein forms L445M, L471M, L488M.
Identifiers: ClinVar variation 1002069 (VCV001002069.6), dbSNP rs754295995, ClinGen allele CA8331360.